The following is an entry in ClinVar:

NM_000103.4(CYP19A1):c.297-1G>C

Genes: CYP19A1 (cytochrome P450 family 19 subfamily A member 1; minus strand), PIRC66 (piwi-interacting RNA cluster 66; plus strand), MIR4713HG (MIR4713 host gene; plus strand). Cytogenetic location: 15q21.2.
Variant type: single nucleotide variant.
Coding change: c.297-1G>C on transcript NM_000103.4 (MANE Select); the canonical splice acceptor site of the intron before coding-DNA position 297, G replaced by C.
Molecular consequence: splice acceptor variant.
Genome position (GRCh38, 1-based): chr15:51,227,934, C>G on the plus strand (G>C on the coding strand, the complement: CYP19A1 is on the minus strand). VCF-style: chr15-51227934-C-G. GRCh37 (hg19) VCF-style: chr15-51520131-C-G.
Other names: c.297-1G>C (NM_031226.3, NM_001347248.1, NM_001347249.2 and 7 more transcripts).
Identifiers: ClinVar variation 859794 (VCV000859794.14), dbSNP rs768157788, ClinGen allele CA7560099.

ClinVar aggregate classification (germline): Likely pathogenic. Review status: criteria provided, multiple submitters, no conflicts (2 of 4 stars). 3 submissions from 3 submitters: Likely pathogenic (3). Last evaluated 2026-01-09.

Conditions:
Aromatase deficiency. Also called: Increased aromatase activity; PSEUDOHERMAPHRODITISM, FEMALE, DUE TO PLACENTAL AROMATASE DEFICIENCY. Identifiers: Orphanet 91, MedGen C1960539, MONDO:0013301, OMIM 613546.
Aromatase excess syndrome (AEXS). Also called: AROMATASE ACTIVITY, INCREASED; GYNECOMASTIA, HEREDITARY; Familial gynecomastia, due to increased aromatase activity. Identifiers: Orphanet 178345, MedGen C1970109, MONDO:0007690, OMIM 139300.

Allele frequency attached by ClinVar (database versions not stated): ExAC 0.00001; gnomAD exomes 0.00002.
gnomAD v4.1: 1 of 1,575,590 alleles (0.000063%); highest among the groups gnomAD compares: East Asian, 0.0022%; no homozygotes.

Submissions (3):

Labcorp Genetics (formerly Invitae), Labcorp
Classification: Likely pathogenic. Last evaluated: 2026-01-09. Review status: criteria provided, single submitter. Criteria: Invitae Variant Classification Sherloc (09022015). Collection method: clinical testing. Allele origin: germline.
Comment: This sequence change affects an acceptor splice site in intron 4 of the CYP19A1 gene. It is expected to disrupt RNA splicing. Variants that disrupt the donor or acceptor splice site typically lead to a loss of protein function (PMID: 16199547), and loss-of-function variants in CYP19A1 are known to be pathogenic (PMID: 14602738, 27086564, 27256151). This variant is present in population databases (rs768157788, gnomAD 0.02%). This variant has not been reported in the literature in individuals affected with CYP19A1-related conditions. ClinVar contains an entry for this variant (Variation ID: 859794). Algorithms developed to predict the effect of sequence changes on RNA splicing suggest that this variant may disrupt the consensus splice site. In summary, the currently available evidence indicates that the variant is pathogenic, but additional data are needed to prove that conclusively. Therefore, this variant has been classified as Likely Pathogenic.

Natera, Inc.
Classification: Likely pathogenic for Aromatase deficiency. Last evaluated: 2025-09-22. Review status: criteria provided, single submitter. Criteria: Natera Variant Classification Schema (03/2026). Collection method: clinical testing. Allele origin: germline.
Comment: The c.297-1G>C variant in CYP19A1 is a canonical splice acceptor site variant predicted to affect pre-mRNA splicing, which may result in an abnormal transcript and altered protein product. This variant is expected to result in nonsense mediated decay, truncation, or a dysfunctional protein product. This variant is rare in the general population with a frequency below the threshold expected for the associated phenotype(s). Given the available evidence, this variant is classified as Likely Pathogenic.

Fulgent Genetics
Classification: Likely pathogenic for Aromatase excess syndrome; Aromatase deficiency. Last evaluated: 2024-02-06. Review status: criteria provided, single submitter. Criteria: ACMG Guidelines, 2015. Collection method: clinical testing. Allele origin: germline.

Literature cited by the submitters: PubMed 16199547 (cited by Labcorp Genetics (formerly Invitae), Labcorp); PubMed 14602738 (cited by Labcorp Genetics (formerly Invitae), Labcorp); PubMed 27086564 (cited by Labcorp Genetics (formerly Invitae), Labcorp); PubMed 27256151 (cited by Labcorp Genetics (formerly Invitae), Labcorp).